The following is an entry in ClinVar:

ClinVar aggregate classification (germline): Benign/Likely benign. Review status: criteria provided, multiple submitters, no conflicts (2 of 4 stars). 5 submissions from 5 submitters: Benign (2); Likely benign (2). 1 of the submissions does not count toward it. Last evaluated 2026-01-24.

Conditions:
CARMIL2-related disorder. Also called: CARMIL2-related condition.

Allele frequency attached by ClinVar (database versions not stated): 1000 Genomes Project 30x 0.00062; 1000 Genomes Project 0.00080; gnomAD 0.00125 and 0.00136; TOPMed 0.00140; gnomAD exomes 0.00157; ESP Exome Variant Server 0.00164; ExAC 0.00204.
gnomAD v4.1: 3,083 of 1,612,788 alleles (0.19%); highest among the groups gnomAD compares: Middle Eastern, 0.35%; 8 homozygotes.

Submissions (5):

Labcorp Genetics (formerly Invitae), Labcorp
Classification: Benign. Last evaluated: 2026-01-24. Review status: criteria provided, single submitter. Criteria: Invitae Variant Classification Sherloc (09022015). Collection method: clinical testing. Allele origin: germline.

CeGaT Center for Human Genetics Tuebingen
Classification: Likely benign. Last evaluated: 2026-01-01. Review status: criteria provided, single submitter. Criteria: CeGaT Center For Human Genetics Tuebingen Variant Classification Criteria Version 2. Collection method: clinical testing. Allele origin: germline. Affected: yes. Observed: 5 variant alleles.
Comment: CARMIL2: BP4, BP7

Blueprint Genetics
Classification: Likely benign. Last evaluated: 2024-11-25. Review status: criteria provided, single submitter. Criteria: ACMG Guidelines, 2015. Collection method: clinical testing. Allele origin: germline.

Breakthrough Genomics
Classification: Benign. Review status: criteria provided, single submitter. Criteria: ACMG Guidelines, 2015. Collection method: not provided. Allele origin: germline. Inheritance: Autosomal recessive inheritance. Affected: yes.

PreventionGenetics, part of Exact Sciences
Classification: Likely benign for CARMIL2-related condition. Last evaluated: 2019-04-04. Review status: no assertion criteria provided. Collection method: clinical testing. Allele origin: germline. Not counted in ClinVar's aggregate classification.
Comment: This variant is classified as likely benign based on ACMG/AMP sequence variant interpretation guidelines (Richards et al. 2015 PMID: 25741868, with internal and published modifications).

NM_001013838.3(CARMIL2):c.3331C>A (p.Arg1111=)

Gene: CARMIL2 (capping protein regulator and myosin 1 linker 2; plus strand). Cytogenetic location: 16q22.1.
Variant type: single nucleotide variant.
Coding change: c.3331C>A on transcript NM_001013838.3 (MANE Select); coding-DNA position 3331, C replaced by A.
Protein change: p.Arg1111=; no amino-acid change (arginine 1111 retained).
Molecular consequence: synonymous variant.
Genome position (GRCh38, 1-based): chr16:67,654,441, C>A. VCF-style: chr16-67654441-C-A. GRCh37 (hg19) VCF-style: chr16-67688344-C-A.
Other names: c.3223C>A, p.Arg1075= (NM_001317026.3); c.3331C>A (NM_001013838.1).
Identifiers: ClinVar variation 1165806 (VCV001165806.35), dbSNP rs201240421, ClinGen allele CA8113991.